The following is an entry in ClinVar:

NM_005228.5(EGFR):c.2463C>G (p.Ile821Met)

Genes: EGFR (epidermal growth factor receptor; plus strand), EGFR-AS1 (EGFR antisense RNA 1; minus strand). Cytogenetic location: 7p11.2.
Variant type: single nucleotide variant.
Coding change: c.2463C>G on transcript NM_005228.5 (MANE Select); coding-DNA position 2463, C replaced by G.
Protein change: p.Ile821Met; replaces isoleucine 821 with methionine.
Molecular consequence: missense variant. On other transcripts: non-coding transcript variant (1).
Genome position (GRCh38, 1-based): chr7:55,181,472, C>G. VCF-style: chr7-55181472-C-G. GRCh37 (hg19) VCF-style: chr7-55249165-C-G.
Other names: c.2328C>G, p.Ile776Met (NM_001346897.2, NM_001346899.2); c.2463C>G, p.Ile821Met (NM_001346898.2); c.2304C>G, p.Ile768Met (NM_001346900.2); c.1662C>G, p.Ile554Met (NM_001346941.2); short protein forms I554M, I768M, I776M, I821M.
Identifiers: ClinVar variation 4803264 (VCV004803264.2).

ClinVar aggregate classification (germline): Uncertain significance. Review status: criteria provided, multiple submitters, no conflicts (2 of 4 stars). 2 submissions from 2 submitters: Uncertain significance (2). Last evaluated 2026-07-20.

Conditions:
Hereditary cancer-predisposing syndrome. Also called: Hereditary Cancer Syndrome; Hereditary neoplastic syndrome; Neoplastic Syndromes, Hereditary; Tumor predisposition. Identifiers: Orphanet 140162, MedGen C0027672, MeSH D009386, MONDO:0015356.
EGFR-related lung cancer (EGFR). Identifiers: MedGen CN130014.

gnomAD v4.1: 3 of 1,614,200 alleles (0.00019%); highest among the groups gnomAD compares: Non-Finnish European, 0.00025%; no homozygotes.

Submissions (2):

Ambry Genetics
Classification: Uncertain significance for Hereditary cancer-predisposing syndrome. Last evaluated: 2026-07-20. Review status: criteria provided, single submitter. Criteria: Ambry Variant Classification Scheme 2023. Collection method: clinical testing. Allele origin: germline.
Comment: The p.I821M variant (also known as c.2463C>G), located in coding exon 20 of the EGFR gene, results from a C to G substitution at nucleotide position 2463. The isoleucine at codon 821 is replaced by methionine, an amino acid with highly similar properties. This amino acid position is conserved. In addition, the in silico prediction for this alteration is inconclusive. Based on the available evidence, the clinical significance of this variant remains unclear.

Labcorp Genetics (formerly Invitae), Labcorp
Classification: Uncertain significance for EGFR-related lung cancer. Last evaluated: 2025-12-21. Review status: criteria provided, single submitter. Criteria: Invitae Variant Classification Sherloc (09022015). Collection method: clinical testing. Allele origin: germline.
Comment: This sequence change replaces isoleucine, which is neutral and non-polar, with methionine, which is neutral and non-polar, at codon 821 of the EGFR protein (p.Ile821Met). This variant is present in population databases (rs367859869, gnomAD 0.0009%). This variant has not been reported in the literature in individuals affected with EGFR-related conditions. Invitae Evidence Modeling of protein sequence and biophysical properties (such as structural, functional, and spatial information, amino acid conservation, physicochemical variation, residue mobility, and thermodynamic stability) has been performed for this missense variant. However, the output from this modeling did not meet the statistical confidence thresholds required to predict the impact of this variant on EGFR protein function. In summary, the available evidence is currently insufficient to determine the role of this variant in disease. Therefore, it has been classified as a Variant of Uncertain Significance.